The following is an entry in ClinVar:

NM_001036.6(RYR3):c.7643C>T (p.Ser2548Leu)

Gene: RYR3 (ryanodine receptor 3; plus strand). Cytogenetic location: 15q14.
Variant type: single nucleotide variant.
Coding change: c.7643C>T on transcript NM_001036.6 (MANE Select); coding-DNA position 7643, C replaced by T.
Protein change: p.Ser2548Leu; replaces serine 2548 with leucine.
Molecular consequence: missense variant.
Genome position (GRCh38, 1-based): chr15:33,738,577, C>T. VCF-style: chr15-33738577-C-T. GRCh37 (hg19) VCF-style: chr15-34030778-C-T.
Other names: c.7643C>T, p.Ser2548Leu (NM_001243996.4); short protein forms S2548L.
Identifiers: ClinVar variation 937815 (VCV000937815.9), dbSNP rs750619066, ClinGen allele CA7459938.

ClinVar aggregate classification (germline): Uncertain significance (1 of 4 stars; one submission).

Conditions:
Epileptic encephalopathy. Identifiers: MedGen C0543888, HP:0200134.

Allele frequency attached by ClinVar (database versions not stated): gnomAD exomes 0.00001 and 0.00003; TOPMed 0.00001; gnomAD 0.00002 and 0.00003; ExAC 0.00003.
gnomAD v4.1: 19 of 1,613,922 alleles (0.0012%); highest among the groups gnomAD compares: Middle Eastern, 0.017%; no homozygotes.

Submission:

Labcorp Genetics (formerly Invitae), Labcorp
Classification: Uncertain significance for Epileptic encephalopathy. Last evaluated: 2022-02-04. Review status: criteria provided, single submitter. Criteria: Invitae Variant Classification Sherloc (09022015). Collection method: clinical testing. Allele origin: germline.
Comment: This variant has not been reported in the literature in individuals affected with RYR3-related conditions. In summary, the available evidence is currently insufficient to determine the role of this variant in disease. Therefore, it has been classified as a Variant of Uncertain Significance. Algorithms developed to predict the effect of missense changes on protein structure and function are either unavailable or do not agree on the potential impact of this missense change (SIFT: "Deleterious"; PolyPhen-2: "Possibly Damaging"; Align-GVGD: "Class C15"). ClinVar contains an entry for this variant (Variation ID: 937815). This variant is present in population databases (rs750619066, gnomAD 0.02%). This sequence change replaces serine, which is neutral and polar, with leucine, which is neutral and non-polar, at codon 2548 of the RYR3 protein (p.Ser2548Leu).